The following is an entry in ClinVar:

NM_032193.4(RNASEH2C):c.*1007C>G

Genes: KAT5 (lysine acetyltransferase 5; plus strand), RNASEH2C (ribonuclease H2 subunit C; minus strand). Cytogenetic location: 11q13.1.
Variant type: single nucleotide variant.
Coding change: c.*1007C>G on transcript NM_032193.4 (MANE Select); 1007 bases downstream of the stop codon, C replaced by G.
Molecular consequence: 3 prime UTR variant. On other transcripts: intron variant (4).
Genome position (GRCh38, 1-based): chr11:65,718,776, G>C on the plus strand (C>G on the coding strand, the complement: RNASEH2C is on the minus strand). VCF-style: chr11-65718776-G-C. GRCh37 (hg19) VCF-style: chr11-65486247-G-C.
Other names: c.1424+27G>C (NM_182710.3); c.1268+27G>C (NM_001206833.2); c.1325+27G>C (NM_006388.4); c.1169+27G>C (NM_182709.3).
Identifiers: ClinVar variation 880428 (VCV000880428.5), dbSNP rs112903919, ClinGen allele CA6107529.

ClinVar aggregate classification (germline): Benign/Likely benign. Review status: criteria provided, multiple submitters, no conflicts (2 of 4 stars). 2 submissions from 2 submitters: Benign (1); Likely benign (1). Last evaluated 2021-05-22.

Conditions:
Aicardi-Goutieres syndrome 3. Identifiers: Orphanet 51, MedGen C1835916, MONDO:0012471, OMIM 610329.

Allele frequency attached by ClinVar (database versions not stated): ExAC 0.00273; 1000 Genomes Project 0.00779; 1000 Genomes Project 30x 0.00781; ESP Exome Variant Server 0.00831; gnomAD 0.01000; TOPMed 0.01031.
gnomAD v4.1: 2,721 of 1,614,100 alleles (0.17%); highest among the groups gnomAD compares: African/African-American, 3.4%; 43 homozygotes.

Submissions (2):

GeneDx
Classification: Likely benign. Last evaluated: 2021-05-22. Review status: criteria provided, single submitter. Criteria: GeneDx Variant Classification Process June 2021. Collection method: clinical testing. Allele origin: germline. Affected: yes.
Comment: See Variant Classification Assertion Criteria.

Illumina Laboratory Services, Illumina
Classification: Benign for Aicardi-Goutieres syndrome 3. Last evaluated: 2018-01-13. Review status: criteria provided, single submitter. Criteria: ICSL Variant Classification Criteria 13 December 2019. Collection method: clinical testing. Allele origin: germline.
Comment: This variant was observed in the ICSL laboratory as part of a predisposition screen in an ostensibly healthy population. It had not been previously curated by ICSL or reported in the Human Gene Mutation Database (HGMD: prior to June 1st, 2018), and was therefore a candidate for classification through an automated scoring system. Utilizing variant allele frequency, disease prevalence and penetrance estimates, and inheritance mode, an automated score was calculated to assess if this variant is too frequent to cause the disease. Based on the score and internal cut-off values, a variant classified as benign is not then subjected to further curation. The score for this variant resulted in a classification of benign for this disease.